The following is an entry in ClinVar:

ClinVar aggregate classification (germline): Benign. Review status: criteria provided, multiple submitters, no conflicts (2 of 4 stars). 3 submissions from 3 submitters: Benign (3). Last evaluated 2026-02-01.

Allele frequency attached by ClinVar (database versions not stated): 1000 Genomes Project 30x 0.03951; TOPMed 0.07545; ESP Exome Variant Server 0.07942; gnomAD 0.08085 and 0.08336; ExAC 0.08410; gnomAD exomes 0.10721; 1000 Genomes Project 0.03794.
gnomAD v4.1: 164,651 of 1,582,664 alleles (10%); highest among the groups gnomAD compares: Non-Finnish European, 12%; 9,885 homozygotes.

Submissions (3):

Labcorp Genetics (formerly Invitae), Labcorp
Classification: Benign. Last evaluated: 2026-02-01. Review status: criteria provided, single submitter. Criteria: Invitae Variant Classification Sherloc (09022015). Collection method: clinical testing. Allele origin: germline.

Mayo Clinic Laboratories, Mayo Clinic
Classification: Benign. Last evaluated: 2022-10-30. Review status: criteria provided, single submitter. Criteria: ACMG Guidelines, 2015. Collection method: clinical testing. Allele origin: germline. Observed: 202 variant alleles.

GeneDx
Classification: Benign. Last evaluated: 2015-12-02. Review status: criteria provided, single submitter. Criteria: GeneDx Variant Classification (06012015). Collection method: clinical testing. Allele origin: germline. Affected: yes.
Comment: This variant is considered likely benign or benign based on one or more of the following criteria: it is a conservative change, it occurs at a poorly conserved position in the protein, it is predicted to be benign by multiple in silico algorithms, and/or has population frequency not consistent with disease.

NM_002887.4(RARS1):c.1188A>G (p.Leu396=)

Gene: RARS1 (arginyl-tRNA synthetase 1; plus strand). Cytogenetic location: 5q34.
Variant type: single nucleotide variant.
Coding change: c.1188A>G on transcript NM_002887.4 (MANE Select); coding-DNA position 1188, A replaced by G.
Protein change: p.Leu396=; no amino-acid change (leucine 396 retained).
Molecular consequence: synonymous variant.
Genome position (GRCh38, 1-based): chr5:168,506,151, A>G. VCF-style: chr5-168506151-A-G. GRCh37 (hg19) VCF-style: chr5-167933156-A-G.
Other names: p.Leu396=.
Identifiers: ClinVar variation 380054 (VCV000380054.11), dbSNP rs61744940, ClinGen allele CA3549833.